The following is an entry in ClinVar:

NM_001365902.3(NFIX):c.1311_1313dup (p.Pro438_Val439insPro)

Gene: NFIX (nuclear factor I X; plus strand). Cytogenetic location: 19p13.13.
Variant type: Duplication.
Coding change: c.1311_1313dup on transcript NM_001365902.3 (MANE Select); coding-DNA positions 1311 to 1313, 3 bases duplicated (TCC; older notation c.1311_1313dupTCC).
Protein change: p.Pro438_Val439insPro.
Molecular consequence: inframe insertion. On other transcripts: intron variant (5).
Genome position (GRCh38, 1-based): chr19:13,088,045-13,088,047, TCC duplicated; duplicating any 3 consecutive bases within chr19:13,088,043-13,088,047 gives the same sequence; the c. name uses the placement nearest the transcript's 3' end. VCF-style (leftmost placement, unchanged base first): chr19-13088042-G-GCCT. GRCh37 (hg19) VCF-style: chr19-13198856-G-GCCT.
Other names: c.1335_1337dup, p.Pro446_Val447insPro (NM_001271043.2); c.1308_1310dup, p.Pro437_Val438insPro (NM_001365984.2); c.1287_1289dup, p.Pro430_Val431insPro (NM_001378404.1); c.1359_1361dup, p.Pro454_Val455insPro (NM_001378405.1); c.1255-2254_1255-2252dup (NM_002501.4); c.1132-2254_1132-2252dup (NM_001365982.2); c.1231-2254_1231-2252dup (NM_001271044.3); c.1114-2254_1114-2252dup (NM_001365983.2); and 1 more.
Identifiers: ClinVar variation 1708102 (VCV001708102.1), dbSNP rs2513002666, ClinGen allele CA2580096530.

ClinVar aggregate classification (germline): Uncertain significance (1 of 4 stars; one submission).

Conditions:
Marshall-Smith syndrome (MRSHSS). Identifiers: Orphanet 561, MedGen C0265211, MONDO:0011244, OMIM 602535.

Submission:

Laboratory of Medical Genetics, National & Kapodistrian University of Athens
Classification: Uncertain significance for Marshall-Smith syndrome. Last evaluated: 2022-04-18. Review status: criteria provided, single submitter. Criteria: ACMG Guidelines, 2015. Collection method: clinical testing. Allele origin: paternal. Affected: yes.
Comment: PM2, PP3